The following is an entry in ClinVar:

ClinVar aggregate classification (germline): Likely benign. Review status: criteria provided, single submitter (1 of 4 stars). 2 submissions from 2 submitters: Likely benign (1). 1 of the submissions does not count toward it. Last evaluated 2025-11-18.

Conditions:
COL4A6-related disorder. Also called: COL4A6-related condition.

Allele frequency attached by ClinVar (database versions not stated): gnomAD exomes below 0.00001; TOPMed below 0.00001.
gnomAD v4.1: 2 of 1,197,416 alleles (0.00017%); highest among the groups gnomAD compares: Admixed American, 0.0044%; no homozygotes.

Submissions (2):

Labcorp Genetics (formerly Invitae), Labcorp
Classification: Likely benign. Last evaluated: 2025-11-18. Review status: criteria provided, single submitter. Criteria: Invitae Variant Classification Sherloc (09022015). Collection method: clinical testing. Allele origin: germline.

PreventionGenetics, part of Exact Sciences
Classification: Likely benign for COL4A6-related condition. Last evaluated: 2021-01-04. Review status: no assertion criteria provided. Collection method: clinical testing. Allele origin: germline. Not counted in ClinVar's aggregate classification.
Comment: This variant is classified as likely benign based on ACMG/AMP sequence variant interpretation guidelines (Richards et al. 2015 PMID: 25741868, with internal and published modifications).

NM_033641.4(COL4A6):c.1857A>G (p.Gly619=)

Gene: COL4A6 (collagen type IV alpha 6 chain; minus strand). Cytogenetic location: Xq22.3.
Variant type: single nucleotide variant.
Coding change: c.1857A>G on transcript NM_033641.4 (MANE Select); coding-DNA position 1857, A replaced by G.
Protein change: p.Gly619=; no amino-acid change (glycine 619 retained).
Molecular consequence: synonymous variant.
Genome position (GRCh38, 1-based): chrX:108,187,190, T>C on the plus strand (A>G on the coding strand, the complement: COL4A6 is on the minus strand). VCF-style: chrX-108187190-T-C. GRCh37 (hg19) VCF-style: chrX-107430420-T-C.
Other names: c.1857A>G, p.Gly619= (NM_001287758.2, NM_001287759.2, NM_001287760.2); c.1860A>G, p.Gly620= (NM_001847.4).
Identifiers: ClinVar variation 3030013 (VCV003030013.3), dbSNP rs1288942578, ClinGen allele CA517943844.